The following is an entry in ClinVar:

NM_000019.4(ACAT1):c.419_420del (p.Leu140fs)

Gene: ACAT1 (acetyl-CoA acetyltransferase 1; plus strand). Cytogenetic location: 11q22.3.
Variant type: Deletion.
Coding change: c.419_420del on transcript NM_000019.4 (MANE Select); coding-DNA positions 419 to 420, 2 bases deleted (TT; older notation c.419_420delTT).
Protein change: p.Leu140fs; shifts the reading frame from leucine 140.
Molecular consequence: frameshift variant. On other transcripts: non-coding transcript variant (1), intron variant (1).
Genome position (GRCh38, 1-based): chr11:108,135,226-108,135,227, TT deleted. VCF-style (leftmost placement, unchanged base first): chr11-108135225-CTT-C. GRCh37 (hg19) VCF-style: chr11-108005952-CTT-C.
Other names: c.419_420del, p.Leu140fs (NM_001386677.1); c.122_123del, p.Leu41fs (NM_001386679.1); c.149_150del, p.Leu50fs (NM_001386681.1, NM_001386682.1, NM_001386685.1 and 6 more transcripts); c.120+3272_120+3273del (NM_001386678.1); short protein forms L140fs, L41fs, L50fs.
Identifiers: ClinVar variation 4817571 (VCV004817571.1).
Genomic context (GRCh38, chr11:108,135,225, plus strand): 5'-ACCACCATAAACAAAGTTTGTGCTTCAGGAATGAAAGCCATCATGATGGCCTCTCAAAGT[CTT>C]ATGTGTGGACATCAGGTAAGAAACACCGTCCTTCCCATTTATTAATCAGAGTAATACCTA-3'

ClinVar aggregate classification (germline): Likely pathogenic (1 of 4 stars; one submission).

Conditions:
Deficiency of acetyl-CoA acetyltransferase. Also called: 3-KETOTHIOLASE DEFICIENCY; 3-OXOTHIOLASE DEFICIENCY; Beta-ketothiolase deficiency; MITOCHONDRIAL ACETOACETYL-CoA THIOLASE DEFICIENCY. Identifiers: Orphanet 134, MedGen C1536500, MONDO:0008760, OMIM 203750. Disease mechanism: loss of function.

Submission:

Natera, Inc.
Classification: Likely pathogenic for Alpha-methylacetoacetic aciduria. Last evaluated: 2024-05-01. Review status: criteria provided, single submitter. Criteria: Natera Variant Classification Schema (03/2026). Collection method: clinical testing. Allele origin: germline.
Comment: The c.419_420delTT variant in ACAT1 is a frameshift variant predicted to shift the reading frame beginning at codon 140 and leads to a stop codon 36 codons downstream. This variant is expected to result in nonsense mediated decay, truncation, or a dysfunctional protein product. This variant is rare in the general population with a frequency below the threshold expected for the associated phenotype(s). Given the available evidence, this variant is classified as Likely Pathogenic.